The following is an entry in ClinVar:

NM_002109.6(HARS1):c.811G>C (p.Val271Leu)

Gene: HARS1 (histidyl-tRNA synthetase 1; minus strand). Cytogenetic location: 5q31.3.
Variant type: single nucleotide variant.
Coding change: c.811G>C on transcript NM_002109.6 (MANE Select); coding-DNA position 811, G replaced by C.
Protein change: p.Val271Leu; replaces valine 271 with leucine.
Molecular consequence: missense variant.
Genome position (GRCh38, 1-based): chr5:140,677,339, C>G on the plus strand (G>C on the coding strand, the complement: HARS1 is on the minus strand). VCF-style: chr5-140677339-C-G. GRCh37 (hg19) VCF-style: chr5-140056924-C-G.
Other names: c.811G>C (NM_002109.3); c.691G>C, p.Val231Leu (NM_001258040.3); c.751G>C, p.Val251Leu (NM_001258041.3); c.631G>C, p.Val211Leu (NM_001258042.3); c.589G>C, p.Val197Leu (NM_001289092.2); c.469G>C, p.Val157Leu (NM_001289093.2); c.724G>C, p.Val242Leu (NM_001289094.2); short protein forms V157L, V197L, V211L, V231L, V242L, V251L, V271L.
Identifiers: ClinVar variation 811068 (VCV000811068.9), dbSNP rs149018062, ClinGen allele CA361253666.

ClinVar aggregate classification (germline): Uncertain significance. Review status: criteria provided, multiple submitters, no conflicts (2 of 4 stars). 2 submissions from 2 submitters: Uncertain significance (2). Last evaluated 2025-08-10.

Submissions (2):

Ambry Genetics
Classification: Uncertain significance. Last evaluated: 2025-08-10. Review status: criteria provided, single submitter. Criteria: Ambry Variant Classification Scheme 2023. Collection method: clinical testing. Allele origin: germline.

ARUP Laboratories, Molecular Genetics and Genomics, ARUP Laboratories
Classification: Uncertain significance. Last evaluated: 2018-07-03. Review status: criteria provided, single submitter. Criteria: ARUP Molecular Germline Variant Investigation Process. Collection method: clinical testing. Allele origin: germline.
Comment: The HARS c.811G>C; p.Val271Leu variant, to our knowledge, is not reported in the medical literature or gene specific databases. This variant is also absent from general population databases (1000 Genomes Project, Exome Variant Server, and Genome Aggregation Database), indicating it is not a common polymorphism. The valine at codon 271 is highly conserved, but computational analyses (SIFT, PolyPhen-2) predict that this variant is tolerated. Due to limited information, the clinical significance of the HARS c.811G>C; p.Val271Leu variant is uncertain at this time.